The following is an entry in ClinVar:

ClinVar aggregate classification (germline): Uncertain significance (1 of 4 stars; one submission).

Conditions:
PLS1-related disorder. Also called: PLS1-related condition.

Allele frequency attached by ClinVar (database versions not stated): gnomAD exomes below 0.00001; TOPMed below 0.00001; gnomAD 0.00001.
gnomAD v4.1: 2 of 1,593,558 alleles (0.00013%); highest among the groups gnomAD compares: Non-Finnish European, 0.00017%; no homozygotes.

Submission:

PreventionGenetics, part of Exact Sciences
Classification: Uncertain significance for PLS1-related condition. Last evaluated: 2023-05-23. Review status: criteria provided, single submitter. Criteria: ACMG Guidelines, 2015. Collection method: clinical testing. Allele origin: germline.
Comment: The PLS1 c.583A>C variant is predicted to result in the amino acid substitution p.Asn195His. To our knowledge, this variant has not been reported in the literature. This variant is reported in 0.0016% of alleles in individuals of European (Non-Finnish) descent in gnomAD. At this time, the clinical significance of this variant is uncertain due to the absence of conclusive functional and genetic evidence.

NM_001145319.2(PLS1):c.583A>C (p.Asn195His)

Gene: PLS1 (plastin 1; plus strand). Cytogenetic location: 3q23.
Variant type: single nucleotide variant.
Coding change: c.583A>C on transcript NM_001145319.2 (MANE Select); coding-DNA position 583, A replaced by C.
Protein change: p.Asn195His; replaces asparagine 195 with histidine.
Molecular consequence: missense variant.
Genome position (GRCh38, 1-based): chr3:142,684,009, A>C. VCF-style: chr3-142684009-A-C. GRCh37 (hg19) VCF-style: chr3-142402851-A-C.
Other names: c.583A>C, p.Asn195His (NM_001172312.2, NM_002670.3); short protein forms N195H.
Identifiers: ClinVar variation 2629117 (VCV002629117.1), dbSNP rs940210908, ClinGen allele CA84767457.